The following is an entry in ClinVar:

ClinVar aggregate classification (germline): Uncertain significance (1 of 4 stars; one submission).

Conditions:
Filippi syndrome (FLPIS). Identifiers: Orphanet 3255, MedGen C0795940, MONDO:0010092, OMIM 272440.

Allele frequency attached by ClinVar (database versions not stated): TOPMed 0.00002; gnomAD exomes 0.00003.
gnomAD v4.1: 41 of 1,612,648 alleles (0.0025%); highest among the groups gnomAD compares: Non-Finnish European, 0.0031%; no homozygotes.

Submission:

Baylor Genetics
Classification: Uncertain significance for Filippi syndrome. Last evaluated: 2018-02-06. Review status: criteria provided, single submitter. Criteria: ACMG Guidelines, 2015. Collection method: clinical testing. Allele origin: maternal. Affected: yes.
Comment: This variant was determined to be of uncertain significance according to ACMG Guidelines, 2015 [PMID:25741868].

NM_152515.5(CKAP2L):c.199C>A (p.Pro67Thr)

Gene: CKAP2L (cytoskeleton associated protein 2 like; minus strand). Cytogenetic location: 2q14.1.
Variant type: single nucleotide variant.
Coding change: c.199C>A on transcript NM_152515.5 (MANE Select); coding-DNA position 199, C replaced by A.
Protein change: p.Pro67Thr; replaces proline 67 with threonine.
Molecular consequence: missense variant. On other transcripts: non-coding transcript variant (1), intron variant (1).
Genome position (GRCh38, 1-based): chr2:112,757,172, G>T on the plus strand (C>A on the coding strand, the complement: CKAP2L is on the minus strand). VCF-style: chr2-112757172-G-T. GRCh37 (hg19) VCF-style: chr2-113514749-G-T.
Other names: c.-280-17C>A (NM_001304361.2); short protein forms P67T.
Identifiers: ClinVar variation 1034319 (VCV001034319.1), dbSNP rs1442633705, ClinGen allele CA348298984.